The following is an entry in ClinVar:

ClinVar aggregate classification (germline): Likely benign. Review status: criteria provided, multiple submitters, no conflicts (2 of 4 stars). 2 submissions from 2 submitters: Likely benign (2). Last evaluated 2024-08-13.

Conditions:
Catecholaminergic polymorphic ventricular tachycardia (CVPT). Also called: Catecholamine-induced polymorphic ventricular tachycardia. Identifiers: Orphanet 3286, MedGen C5574922, MONDO:0017990.
Catecholaminergic polymorphic ventricular tachycardia 1. Also called: RYR2-Related Catecholaminergic Polymorphic Ventricular Tachycardia; VENTRICULAR TACHYCARDIA, STRESS-INDUCED POLYMORPHIC 1; VENTRICULAR TACHYCARDIA, CATECHOLAMINERGIC POLYMORPHIC, 1, WITH OR WITHOUT ATRIAL DYSFUNCTION AND/OR DILATED CARDIOMYOPATHY. Identifiers: Orphanet 3286, MedGen C1631597, MONDO:0011484, OMIM 604772.

Allele frequency attached by ClinVar (database versions not stated): gnomAD exomes below 0.00001.
gnomAD v4.1: 1 of 1,609,388 alleles (0.000062%); highest among the groups gnomAD compares: South Asian, 0.0011%; no homozygotes.

Submissions (2):

All of Us Research Program, National Institutes of Health
Classification: Likely benign for Catecholaminergic polymorphic ventricular tachycardia. Last evaluated: 2024-08-13. Review status: criteria provided, single submitter. Criteria: ACMG Guidelines, 2015. Collection method: clinical testing. Allele origin: germline. Inheritance: Autosomal dominant inheritance. Observed: 1 variant allele, 1 heterozygote.
Comment: This study involves interpretation of variants in research participants for the purpose of population health screening. Participant phenotype was not available at the time of variant classification. Additional details can be found in publication PMID: 35346344, PMCID: PMC8962531

Labcorp Genetics (formerly Invitae), Labcorp
Classification: Likely benign for Catecholaminergic polymorphic ventricular tachycardia 1. Last evaluated: 2022-11-09. Review status: criteria provided, single submitter. Criteria: Invitae Variant Classification Sherloc (09022015). Collection method: clinical testing. Allele origin: germline.

NM_001035.3(RYR2):c.13380A>G (p.Gln4460=)

Gene: RYR2 (ryanodine receptor 2; plus strand). Cytogenetic location: 1q43.
Variant type: single nucleotide variant.
Coding change: c.13380A>G on transcript NM_001035.3 (MANE Select); coding-DNA position 13380, A replaced by G.
Protein change: p.Gln4460=; no amino-acid change (glutamine 4460 retained).
Molecular consequence: synonymous variant.
Genome position (GRCh38, 1-based): chr1:237,788,039, A>G. VCF-style: chr1-237788039-A-G. GRCh37 (hg19) VCF-style: chr1-237951339-A-G.
Identifiers: ClinVar variation 2983834 (VCV002983834.4), dbSNP rs1657870980, ClinGen allele CA423826357.